The following is an entry in ClinVar:

ClinVar aggregate classification (germline): Uncertain significance. Review status: criteria provided, multiple submitters, no conflicts (2 of 4 stars). 2 submissions from 2 submitters: Uncertain significance (2). Last evaluated 2025-12-23.

Conditions:
Inborn genetic diseases. Identifiers: MedGen C0950123, MeSH D030342.

Allele frequency attached by ClinVar (database versions not stated): ExAC 0.00001; gnomAD exomes 0.00001; TOPMed 0.00001; gnomAD 0.00003; ESP Exome Variant Server 0.00008.

Submissions (2):

Labcorp Genetics (formerly Invitae), Labcorp
Classification: Uncertain significance. Last evaluated: 2025-12-23. Review status: criteria provided, single submitter. Criteria: Invitae Variant Classification Sherloc (09022015). Collection method: clinical testing. Allele origin: germline.
Comment: This sequence change replaces serine, which is neutral and polar, with asparagine, which is neutral and polar, at codon 299 of the SI protein (p.Ser299Asn). This variant is present in population databases (rs367672931, gnomAD 0.004%). This missense change has been observed in individual(s) with clinical features of SI-related conditions (PMID: 39676735). ClinVar contains an entry for this variant (Variation ID: 1422040). Invitae Evidence Modeling of protein sequence and biophysical properties (such as structural, functional, and spatial information, amino acid conservation, physicochemical variation, residue mobility, and thermodynamic stability) has been performed for this missense variant. However, the output from this modeling did not meet the statistical confidence thresholds required to predict the impact of this variant on SI protein function. In summary, the available evidence is currently insufficient to determine the role of this variant in disease. Therefore, it has been classified as a Variant of Uncertain Significance.

Ambry Genetics
Classification: Uncertain significance for Inborn genetic diseases. Last evaluated: 2025-04-11. Review status: criteria provided, single submitter. Criteria: Ambry Variant Classification Scheme 2023. Collection method: clinical testing. Allele origin: germline.

Literature cited by the submitters: PubMed 39676735 (cited by Labcorp Genetics (formerly Invitae), Labcorp).

NM_001041.4(SI):c.896G>A (p.Ser299Asn)

Gene: SI (sucrase-isomaltase; minus strand). Cytogenetic location: 3q26.1.
Variant type: single nucleotide variant.
Coding change: c.896G>A on transcript NM_001041.4 (MANE Select); coding-DNA position 896, G replaced by A.
Protein change: p.Ser299Asn; replaces serine 299 with asparagine.
Molecular consequence: missense variant.
Genome position (GRCh38, 1-based): chr3:165,063,453, C>T on the plus strand (G>A on the coding strand, the complement: SI is on the minus strand). VCF-style: chr3-165063453-C-T. GRCh37 (hg19) VCF-style: chr3-164781241-C-T.
Other names: c.896G>A (NM_001041.3); short protein forms S299N.
Identifiers: ClinVar variation 1422040 (VCV001422040.7), dbSNP rs367672931, ClinGen allele CA2691272.
Genomic context (GRCh38, chr3:165,063,453, plus strand): 5'-ACATTTCAAGTGAAATCTATAAATATATTATCAAATGAATTATTCTTACCCATTGCATTG[C>T]TATTCATTAAAAAAACACCGAATGACTTTCCAGATGTATCTTCAATACACATAAAGAATG-3'
Protein context (NP_001032.2, residues 289-309): GKSFGVFLMN[Ser299Asn]NAMEIFIQPT